The following is an entry in ClinVar:

ClinVar aggregate classification (germline): Uncertain significance (1 of 4 stars; one submission).

Conditions:
SLC32A1-related condition.

Submission:

PreventionGenetics, part of Exact Sciences
Classification: Uncertain significance for SLC32A1-related condition. Last evaluated: 2026-05-22. Review status: criteria provided, single submitter. Criteria: ACMG Guidelines, 2015. Collection method: clinical testing. Allele origin: germline.
Comment: The SLC32A1 c.265A>G variant is predicted to result in the amino acid substitution p.Ser89Gly. To our knowledge, this variant has not been reported in the literature or in a large population database (gnomAD), indicating this variant is rare. Although we suspect that this variant may be pathogenic, at this time, the clinical significance of this variant is uncertain due to the absence of conclusive functional and genetic evidence.

NM_080552.3(SLC32A1):c.265A>G (p.Ser89Gly)

Gene: SLC32A1 (solute carrier family 32 member 1; plus strand). Cytogenetic location: 20q11.23.
Variant type: single nucleotide variant.
Coding change: c.265A>G on transcript NM_080552.3 (MANE Select); coding-DNA position 265, A replaced by G.
Protein change: p.Ser89Gly; replaces serine 89 with glycine.
Molecular consequence: missense variant.
Genome position (GRCh38, 1-based): chr20:38,724,989, A>G. VCF-style: chr20-38724989-A-G. GRCh37 (hg19) VCF-style: chr20-37353632-A-G.
Other names: short protein forms S89G.
Identifiers: ClinVar variation 4981985 (VCV004981985.1).